The following is an entry in ClinVar:

ClinVar aggregate classification (germline): Likely benign (1 of 4 stars; one submission).

Submission:

GeneDx
Classification: Likely benign. Last evaluated: 2018-04-18. Review status: criteria provided, single submitter. Criteria: GeneDx Variant Classification (06012015). Collection method: clinical testing. Allele origin: germline. Affected: yes.
Comment: This variant is considered likely benign or benign based on one or more of the following criteria: it is a conservative change, it occurs at a poorly conserved position in the protein, it is predicted to be benign by multiple in silico algorithms, and/or has population frequency not consistent with disease.

NM_001105206.3(LAMA4):c.815-13G>C

Gene: LAMA4 (laminin subunit alpha 4; minus strand). Cytogenetic location: 6q21.
Variant type: single nucleotide variant.
Coding change: c.815-13G>C on transcript NM_001105206.3 (MANE Select); 13 bases into the intron before coding-DNA position 815, G replaced by C.
Molecular consequence: intron variant.
Genome position (GRCh38, 1-based): chr6:112,187,614, C>G on the plus strand (G>C on the coding strand, the complement: LAMA4 is on the minus strand). VCF-style: chr6-112187614-C-G. GRCh37 (hg19) VCF-style: chr6-112508816-C-G.
Other names: c.794-13G>C (NM_002290.5, NM_001105207.3).
Identifiers: ClinVar variation 682157 (VCV000682157.1), dbSNP rs372004668, ClinGen allele CA817324671.